The following is an entry in ClinVar:

ClinVar aggregate classification (germline): Conflicting classifications of pathogenicity. Review status: criteria provided, conflicting classifications (1 of 4 stars). 6 submissions from 5 submitters: Pathogenic (2); Benign (1). 3 of the submissions do not count toward it. Last evaluated 2025-12-19.

Conditions:
Anemia, congenital dyserythropoietic, type IVb. Also called: CDA, TYPE IVb; ANEMIA, CONGENITAL, WITH HEREDITARY PERSISTENCE OF FETAL AND EMBRYONIC HEMOGLOBIN. Identifiers: MedGen C5975438, MONDO:0975829, OMIM 620969.
FETAL HEMOGLOBIN QUANTITATIVE TRAIT LOCUS 6 (HBFQTL6). Also called: HEREDITARY PERSISTENCE OF FETAL HEMOGLOBIN, KLF1-RELATED. Identifiers: Orphanet 251380, MedGen C3150805, OMIM 613566.
BLOOD GROUP--LUTHERAN INHIBITOR (INLU). Also called: DOMINANT LU (a-b-) PHENOTYPE. Identifiers: MedGen C1292231, OMIM 111150.

Submissions (6):

Labcorp Genetics (formerly Invitae), Labcorp
Classification: Pathogenic. Last evaluated: 2025-12-19. Review status: criteria provided, single submitter. Criteria: Invitae Variant Classification Sherloc (09022015). Collection method: clinical testing. Allele origin: germline.
Comment: This sequence change creates a premature translational stop signal (p.Gly176Argfs*179) in the KLF1 gene. While this is not anticipated to result in nonsense mediated decay, it is expected to disrupt the last 187 amino acid(s) of the KLF1 protein. This variant is present in population databases (rs483352838, gnomAD 0.02%). This premature translational stop signal has been observed in individual(s) with autosomal recessive congenital hemolytic anemia (PMID: 24443441, 31645145, 34227100). In at least one individual the data is consistent with being in trans (on the opposite chromosome) from a pathogenic variant. ClinVar contains an entry for this variant (Variation ID: 100799). For these reasons, this variant has been classified as Pathogenic.

Mendelics
Classification: Benign for BLOOD GROUP--LUTHERAN INHIBITOR. Last evaluated: 2019-05-28. Review status: criteria provided, single submitter. Criteria: Mendelics Assertion Criteria 2017. Collection method: clinical testing. Allele origin: unknown.

Juno Genomics, Hangzhou Juno Genomics, Inc
Classification: Pathogenic for Anemia, congenital dyserythropoietic, type IVb. Review status: criteria provided, single submitter. Criteria: ACMG Guidelines, 2015. Collection method: clinical testing. Allele origin: germline.
Comment: Absent from controls (or at extremely low frequency if recessive) in Genome Aggregation Database.;Null variant in a gene where loss of function (LOF) is a known mechanism of disease.;For recessive disorders, detected in trans with a pathogenic variant.;Patient's phenotype or family history is highly specific for a disease with a single genetic etiology.

OMIM
Classification: Pathogenic for ANEMIA, CONGENITAL DYSERYTHROPOIETIC, TYPE IVb. Last evaluated: 2024-10-04. Review status: no assertion criteria provided. Collection method: literature only. Allele origin: germline. Not counted in ClinVar's aggregate classification.

OMIM
Classification: Affects for FETAL HEMOGLOBIN QUANTITATIVE TRAIT LOCUS 6. Last evaluated: 2024-10-04. Review status: no assertion criteria provided. Collection method: literature only. Allele origin: germline. Not counted in ClinVar's aggregate classification.

Department of Medical Genetics, Oslo University Hospital
Classification: Likely pathogenic. Review status: no assertion criteria provided. Collection method: not provided. Allele origin: unknown. Not counted in ClinVar's aggregate classification.
Comment: p.Gly176AlafsX179
ClinVar note: Converted during submission from probable-pathogenic to Likely pathogenic.

Literature cited by the submitters: PubMed 24443441 (cited by Labcorp Genetics (formerly Invitae), Labcorp and OMIM); PubMed 31645145 (cited by Labcorp Genetics (formerly Invitae), Labcorp); PubMed 34227100 (cited by Labcorp Genetics (formerly Invitae), Labcorp); PubMed 28361594 (cited by OMIM).

NM_006563.5(KLF1):c.519_525dup (p.Gly176fs)

Genes: KLF1 (KLF transcription factor 1; minus strand), LOC130063673 (ATAC-STARR-seq lymphoblastoid silent region 10180; plus strand). Cytogenetic location: 19p13.13.
Variant type: Duplication.
Coding change: c.519_525dup on transcript NM_006563.5 (MANE Select); coding-DNA positions 519 to 525, 7 bases duplicated (CGGCGCC; older notation c.519_525dupCGGCGCC).
Protein change: p.Gly176fs; shifts the reading frame from glycine 176.
Molecular consequence: frameshift variant.
Genome position (GRCh38, 1-based): chr19:12,885,705-12,885,711, GGCGCCG duplicated on the plus strand (CGGCGCC on the coding strand, the reverse complement: KLF1 is on the minus strand); duplicating any 7 consecutive bases within chr19:12,885,705-12,885,714 gives the same sequence; the c. name uses the placement nearest the transcript's 3' end. VCF-style (leftmost placement, unchanged base first): chr19-12885704-C-CGGCGCCG. GRCh37 (hg19) VCF-style: chr19-12996518-C-CGGCGCCG.
Other names: c.525_526insCGGCGCC (NM_006563.5); short protein forms G176fs.
Identifiers: ClinVar variation 100799 (VCV000100799.8), dbSNP rs483352838, ClinGen allele CA228977.